The following is an entry in ClinVar:

ClinVar aggregate classification (germline): Uncertain significance (1 of 4 stars; one submission).

Conditions:
Neuropathy, hereditary sensory and autonomic, type 2A (HSAN2A). Also called: WNK1-Related HSAN2 (HSAN2A); ACROOSTEOLYSIS, GIACCAI TYPE; ACROOSTEOLYSIS, NEUROGENIC; MORVAN DISEASE; NEUROPATHY, CONGENITAL SENSORY; NEUROPATHY, HEREDITARY SENSORY RADICULAR, AUTOSOMAL RECESSIVE. Identifiers: Orphanet 970, MedGen C2752089, MONDO:0024309, OMIM 201300.
Generalized epilepsy with febrile seizures plus, type 7 (GEFSP7). Also called: GEFS+, TYPE 7. Identifiers: Orphanet 36387, MedGen C2751778, MONDO:0013470, OMIM 613863.

Submission:

Labcorp Genetics (formerly Invitae), Labcorp
Classification: Uncertain significance for Neuropathy, hereditary sensory and autonomic, type 2A; Generalized epilepsy with febrile seizures plus, type 7. Last evaluated: 2025-12-14. Review status: criteria provided, single submitter. Criteria: Invitae Variant Classification Sherloc (09022015). Collection method: clinical testing. Allele origin: germline.
Comment: This sequence change falls in intron 25 of the SCN9A gene. It does not directly change the encoded amino acid sequence of the SCN9A protein. It affects a nucleotide within the consensus splice site. This variant is not present in population databases (gnomAD no frequency). This variant has not been reported in the literature in individuals affected with SCN9A-related conditions. Variants that disrupt the consensus splice site are a relatively common cause of aberrant splicing (PMID: 17576681, 9536098). Algorithms developed to predict the effect of sequence changes on RNA splicing suggest that this variant may disrupt the consensus splice site. In summary, the available evidence is currently insufficient to determine the role of this variant in disease. Therefore, it has been classified as a Variant of Uncertain Significance.

Literature cited by the submitters: PubMed 17576681; PubMed 9536098.

NM_001365536.1(SCN9A):c.4504-3C>T

Genes: SCN9A (sodium voltage-gated channel alpha subunit 9; minus strand), SCN1A-AS1 (SCN1A and SCN9A antisense RNA 1; plus strand). Cytogenetic location: 2q24.3.
Variant type: single nucleotide variant.
Coding change: c.4504-3C>T on transcript NM_001365536.1 (MANE Select); 3 bases into the intron before coding-DNA position 4504, C replaced by T.
Molecular consequence: intron variant.
Genome position (GRCh38, 1-based): chr2:166,204,228, G>A on the plus strand (C>T on the coding strand, the complement: SCN9A is on the minus strand). VCF-style: chr2-166204228-G-A. GRCh37 (hg19) VCF-style: chr2-167060738-G-A.
Other names: c.4471-3C>T (NM_002977.4).
Identifiers: ClinVar variation 4787011 (VCV004787011.1).